The following is an entry in ClinVar:

NM_006929.5(SKIC2):c.2442G>T (p.Trp814Cys)

Gene: SKIC2 (SKI2 subunit of superkiller complex; plus strand). Cytogenetic location: 6p21.33.
Variant type: single nucleotide variant.
Coding change: c.2442G>T on transcript NM_006929.5 (MANE Select); coding-DNA position 2442, G replaced by T.
Protein change: p.Trp814Cys; replaces tryptophan 814 with cysteine.
Molecular consequence: missense variant.
Genome position (GRCh38, 1-based): chr6:31,967,105, G>T. VCF-style: chr6-31967105-G-T. GRCh37 (hg19) VCF-style: chr6-31934882-G-T.
Other names: short protein forms W814C.
Identifiers: ClinVar variation 1445949 (VCV001445949.3), dbSNP rs148221996, ClinGen allele CA3729771.

ClinVar aggregate classification (germline): Uncertain significance (1 of 4 stars; one submission).

gnomAD v4.1: 41 of 1,612,518 alleles (0.0025%); highest among the groups gnomAD compares: Non-Finnish European, 0.0028%; no homozygotes.

Submission:

Labcorp Genetics (formerly Invitae), Labcorp
Classification: Uncertain significance. Last evaluated: 2022-03-19. Review status: criteria provided, single submitter. Criteria: Invitae Variant Classification Sherloc (09022015). Collection method: clinical testing. Allele origin: germline.
Comment: This sequence change replaces tryptophan, which is neutral and slightly polar, with cysteine, which is neutral and slightly polar, at codon 814 of the SKIV2L protein (p.Trp814Cys). This variant is present in population databases (rs148221996, gnomAD 0.005%). This variant has not been reported in the literature in individuals affected with SKIV2L-related conditions. Algorithms developed to predict the effect of missense changes on protein structure and function are either unavailable or do not agree on the potential impact of this missense change (SIFT: "Tolerated"; PolyPhen-2: "Possibly Damaging"; Align-GVGD: "Class C0"). In summary, the available evidence is currently insufficient to determine the role of this variant in disease. Therefore, it has been classified as a Variant of Uncertain Significance.